The following is an entry in ClinVar:

NM_000388.4(CASR):c.3044del (p.Pro1015fs)

Gene: CASR (calcium sensing receptor; plus strand). Cytogenetic location: 3q21.1.
Variant type: Deletion.
Coding change: c.3044del on transcript NM_000388.4 (MANE Select); coding-DNA position 3044, one base deleted (C; older notation c.3044delC).
Protein change: p.Pro1015fs; shifts the reading frame from proline 1015.
Molecular consequence: frameshift variant.
Genome position (GRCh38, 1-based): chr3:122,284,998, C deleted; the last of 3 consecutive C bases (chr3:122,284,996-122,284,998); deleting any one gives the same sequence. VCF-style (leftmost placement, unchanged base first): chr3-122284995-TC-T. GRCh37 (hg19) VCF-style: chr3-122003842-TC-T.
Other names: c.3074del, p.Pro1025fs (NM_001178065.2); short protein forms P1015fs, P1025fs.
Identifiers: ClinVar variation 858507 (VCV000858507.8), dbSNP rs2074952162, ClinGen allele CA916082597.

ClinVar aggregate classification (germline): Uncertain significance (1 of 4 stars; one submission).

Conditions:
Autosomal dominant hypocalcemia 1 (HYPOC1). Also called: HYPOCALCEMIA, FAMILIAL. Identifiers: MedGen C3715128, MONDO:0011013, OMIM 601198.
Familial hypocalciuric hypercalcemia (FHH). Also called: Familial benign hypercalcemia. Identifiers: Orphanet 405, MedGen C1809471, MONDO:0018458.

Submission:

Labcorp Genetics (formerly Invitae), Labcorp
Classification: Uncertain significance for Familial hypocalciuric hypercalcemia; Autosomal dominant hypocalcemia 1. Last evaluated: 2023-03-13. Review status: criteria provided, single submitter. Criteria: Invitae Variant Classification Sherloc (09022015). Collection method: clinical testing. Allele origin: germline.
Comment: In summary, the available evidence is currently insufficient to determine the role of this variant in disease. Therefore, it has been classified as a Variant of Uncertain Significance. Experimental studies and prediction algorithms are not available or were not evaluated, and the functional significance of this variant is currently unknown. ClinVar contains an entry for this variant (Variation ID: 858507). This variant is also known as c.3074delC (p.Pro1025Argfs*9). This premature translational stop signal has been observed in individual(s) with hypercalcemia (PMID: 32386559). This variant is not present in population databases (gnomAD no frequency). This sequence change creates a premature translational stop signal (p.Pro1015Argfs*9) in the CASR gene. While this is not anticipated to result in nonsense mediated decay, it is expected to disrupt the last 64 amino acid(s) of the CASR protein.

Literature cited by the submitters: PubMed 32386559.